The following is an entry in ClinVar:

NM_004813.4(PEX16):c.673A>G (p.Ile225Val)

Gene: PEX16 (peroxisomal biogenesis factor 16; minus strand). Cytogenetic location: 11p11.2.
Variant type: single nucleotide variant.
Coding change: c.673A>G on transcript NM_004813.4 (MANE Select); coding-DNA position 673, A replaced by G.
Protein change: p.Ile225Val; replaces isoleucine 225 with valine.
Molecular consequence: missense variant.
Genome position (GRCh38, 1-based): chr11:45,914,337, T>C on the plus strand (A>G on the coding strand, the complement: PEX16 is on the minus strand). VCF-style: chr11-45914337-T-C. GRCh37 (hg19) VCF-style: chr11-45935888-T-C.
Other names: c.673A>G, p.Ile225Val (NM_057174.3); short protein forms I225V.
Identifiers: ClinVar variation 2188567 (VCV002188567.1), dbSNP rs779235562, ClinGen allele CA5959880.

ClinVar aggregate classification (germline): Uncertain significance (1 of 4 stars; one submission).

Conditions:
Peroxisome biogenesis disorder. Identifiers: Orphanet 79189, MedGen C1832200, MONDO:0019234. Disease mechanism: loss of function.

Allele frequency attached by ClinVar (database versions not stated): ExAC 0.00001; gnomAD exomes 0.00001; TOPMed 0.00001.

Submission:

Labcorp Genetics (formerly Invitae), Labcorp
Classification: Uncertain significance for Peroxisome biogenesis disorder. Last evaluated: 2022-09-27. Review status: criteria provided, single submitter. Criteria: Invitae Variant Classification Sherloc (09022015). Collection method: clinical testing. Allele origin: germline.
Comment: This sequence change replaces isoleucine, which is neutral and non-polar, with valine, which is neutral and non-polar, at codon 225 of the PEX16 protein (p.Ile225Val). This variant is present in population databases (rs779235562, gnomAD 0.003%). This variant has not been reported in the literature in individuals affected with PEX16-related conditions. Advanced modeling of protein sequence and biophysical properties (such as structural, functional, and spatial information, amino acid conservation, physicochemical variation, residue mobility, and thermodynamic stability) performed at Invitae indicates that this missense variant is not expected to disrupt PEX16 protein function. Algorithms developed to predict the effect of sequence changes on RNA splicing suggest that this variant may create or strengthen a splice site. In summary, the available evidence is currently insufficient to determine the role of this variant in disease. Therefore, it has been classified as a Variant of Uncertain Significance.